The following is an entry in ClinVar:

NM_001206927.2(DNAH8):c.2224T>C (p.Tyr742His)

Gene: DNAH8 (dynein axonemal heavy chain 8; plus strand). Cytogenetic location: 6p21.2.
Variant type: single nucleotide variant.
Coding change: c.2224T>C on transcript NM_001206927.2 (MANE Select); coding-DNA position 2224, T replaced by C.
Protein change: p.Tyr742His; replaces tyrosine 742 with histidine.
Molecular consequence: missense variant.
Genome position (GRCh38, 1-based): chr6:38,781,338, T>C. VCF-style: chr6-38781338-T-C. GRCh37 (hg19) VCF-style: chr6-38749114-T-C.
Other names: c.1573T>C, p.Tyr525His (NM_001371.4); short protein forms Y525H, Y742H.
Identifiers: ClinVar variation 1422940 (VCV001422940.5), dbSNP rs766094006, ClinGen allele CA3788455.

ClinVar aggregate classification (germline): Uncertain significance (1 of 4 stars; one submission).

Conditions:
Primary ciliary dyskinesia. Also called: Ciliary dyskinesia. Identifiers: Orphanet 244, MedGen C0008780, MONDO:0016575, HP:0012265.

Allele frequency attached by ClinVar (database versions not stated): gnomAD exomes 0.00002 and 0.00003; TOPMed 0.00002; gnomAD 0.00003; ExAC 0.00004.
gnomAD v4.1: 14 of 1,613,784 alleles (0.00087%); highest among the groups gnomAD compares: East Asian, 0.029%; no homozygotes.

Submission:

Labcorp Genetics (formerly Invitae), Labcorp
Classification: Uncertain significance for Primary ciliary dyskinesia. Last evaluated: 2021-08-31. Review status: criteria provided, single submitter. Criteria: Invitae Variant Classification Sherloc (09022015). Collection method: clinical testing. Allele origin: germline.
Comment: This sequence change replaces tyrosine with histidine at codon 742 of the DNAH8 protein (p.Tyr742His). The tyrosine residue is moderately conserved and there is a moderate physicochemical difference between tyrosine and histidine. This variant is present in population databases (rs766094006, ExAC 0.06%). This missense change has been observed in individual(s) with clinical features of DNAH8-related conditions (Invitae). Algorithms developed to predict the effect of missense changes on protein structure and function are either unavailable or do not agree on the potential impact of this missense change (SIFT: "Deleterious"; PolyPhen-2: "Not Available"; Align-GVGD: "Class C0"). In summary, the available evidence is currently insufficient to determine the role of this variant in disease. Therefore, it has been classified as a Variant of Uncertain Significance.